The following is an entry in ClinVar:

ClinVar aggregate classification (germline): Uncertain significance (1 of 4 stars; one submission).

Conditions:
Aortic aneurysm, familial thoracic 4 (AAT4). Also called: AORTIC ANEURYSM/AORTIC DISSECTION AND PATENT DUCTUS ARTERIOSUS. Identifiers: MedGen C1851504, MONDO:0007568, OMIM 132900.

Submission:

Labcorp Genetics (formerly Invitae), Labcorp
Classification: Uncertain significance for Aortic aneurysm, familial thoracic 4. Last evaluated: 2023-10-13. Review status: criteria provided, single submitter. Criteria: Invitae Variant Classification Sherloc (09022015). Collection method: clinical testing. Allele origin: germline.
Comment: This sequence change replaces alanine, which is neutral and non-polar, with proline, which is neutral and non-polar, at codon 1746 of the MYH11 protein (p.Ala1746Pro). This variant is not present in population databases (gnomAD no frequency). This variant has not been reported in the literature in individuals affected with MYH11-related conditions. Advanced modeling of protein sequence and biophysical properties (such as structural, functional, and spatial information, amino acid conservation, physicochemical variation, residue mobility, and thermodynamic stability) performed at Invitae indicates that this missense variant is not expected to disrupt MYH11 protein function. In summary, the available evidence is currently insufficient to determine the role of this variant in disease. Therefore, it has been classified as a Variant of Uncertain Significance.

NM_002474.3(MYH11):c.5215G>C (p.Ala1739Pro)

Genes: MYH11 (myosin heavy chain 11; minus strand), NDE1 (nudE neurodevelopment protein 1; plus strand). Cytogenetic location: 16p13.11.
Variant type: single nucleotide variant.
Coding change: c.5215G>C on transcript NM_002474.3 (MANE Select); coding-DNA position 5215, G replaced by C.
Protein change: p.Ala1739Pro; replaces alanine 1739 with proline.
Molecular consequence: missense variant. On other transcripts: intron variant (2).
Genome position (GRCh38, 1-based): chr16:15,718,395, C>G on the plus strand (G>C on the coding strand, the complement: MYH11 is on the minus strand). VCF-style: chr16-15718395-C-G. GRCh37 (hg19) VCF-style: chr16-15812252-C-G.
Other names: c.5236G>C, p.Ala1746Pro (NM_001040113.2, NM_001040114.2); c.5215G>C, p.Ala1739Pro (NM_022844.3); c.948-5796C>G (NM_001143979.2, NM_017668.3); short protein forms A1739P, A1746P.
Identifiers: ClinVar variation 2857462 (VCV002857462.3), dbSNP rs1029371842, ClinGen allele CA394850207.